The following is an entry in ClinVar:

ClinVar aggregate classification (germline): Uncertain significance. Review status: criteria provided, multiple submitters, no conflicts (2 of 4 stars). 2 submissions from 2 submitters: Uncertain significance (2). Last evaluated 2023-09-01.

Conditions:
Developmental and epileptic encephalopathy, 14 (DEE14). Also called: Early infantile epileptic encephalopathy 14. Identifiers: Orphanet 293181, MedGen C3554195, MONDO:0013989, OMIM 614959.
Autosomal dominant nocturnal frontal lobe epilepsy 5. Also called: Epilepsy, nocturnal frontal lobe, 5; CILIARY DYSKINESIA, PRIMARY, 28, WITHOUT SITUS INVERSUS; CILIARY DYSKINESIA, PRIMARY, 28, WITH SITUS INVERSUS; KCNT1-Related Epilepsy. Identifiers: Orphanet 98784, MedGen C3554306, MONDO:0014002, OMIM 615005.

Allele frequency attached by ClinVar (database versions not stated): TOPMed below 0.00001; gnomAD exomes 0.00001.
gnomAD v4.1: 4 of 1,604,926 alleles (0.00025%); highest among the groups gnomAD compares: Non-Finnish European, 0.00034%; no homozygotes.

Submissions (2):

CeGaT Center for Human Genetics Tuebingen
Classification: Uncertain significance. Last evaluated: 2023-09-01. Review status: criteria provided, single submitter. Criteria: CeGaT Center For Human Genetics Tuebingen Variant Classification Criteria Version 2. Collection method: clinical testing. Allele origin: germline. Affected: yes. Observed: 1 variant allele.
Comment: KCNT1: PM4

Labcorp Genetics (formerly Invitae), Labcorp
Classification: Uncertain significance for Autosomal dominant nocturnal frontal lobe epilepsy 5; Developmental and epileptic encephalopathy, 14. Last evaluated: 2017-12-28. Review status: criteria provided, single submitter. Criteria: Invitae Variant Classification Sherloc (09022015). Collection method: clinical testing. Allele origin: germline.
Comment: In summary, the available evidence is currently insufficient to determine the role of this variant in disease. Therefore, it has been classified as a Variant of Uncertain Significance. Experimental studies and prediction algorithms are not available for this variant, and the functional significance of the additional amino acids is currently unknown. This variant has not been reported in the literature in individuals with KCNT1-related disease. This variant is not present in population databases (ExAC no frequency). This sequence change disrupts the translational stop signal of the KCNT1 mRNA. It is expected to extend the length of the KCNT1 protein by 30 additional amino acid residues.

NM_020822.3(KCNT1):c.3708A>C (p.Ter1236Cys)

Gene: KCNT1 (potassium sodium-activated channel subfamily T member 1; plus strand). Cytogenetic location: 9q34.3.
Variant type: single nucleotide variant.
Coding change: c.3708A>C on transcript NM_020822.3 (MANE Select); coding-DNA position 3708, A replaced by C.
Protein change: p.Ter1236Cys.
Molecular consequence: stop lost.
Genome position (GRCh38, 1-based): chr9:135,792,161, A>C. VCF-style: chr9-135792161-A-C. GRCh37 (hg19) VCF-style: chr9-138684007-A-C.
Other names: *1236C; *1212C; c.3636A>C, p.Ter1212Cys (NM_001272003.2).
Identifiers: ClinVar variation 540560 (VCV000540560.31), dbSNP rs1459930316, ClinGen allele CA375494568.
Genomic context (GRCh38, chr9:135,792,161, plus strand): 5'-CAGCTGCAGCCACAAGCTGTCGTCCTGCAACCCCGAGACTCGCGACGAGACACAGCTCTG[A>C]GCCAGCCCTGCACGGAGCTCAGGCCACCAAGCCCGGGGTCCTCAGGAAGGACGTGGAGGA-3'